The following is an entry in ClinVar:

NM_000256.3(MYBPC3):c.150C>A (p.Ser50Arg)

Gene: MYBPC3 (myosin binding protein C3; minus strand). Cytogenetic location: 11p11.2.
Variant type: single nucleotide variant.
Coding change: c.150C>A on transcript NM_000256.3 (MANE Select); coding-DNA position 150, C replaced by A.
Protein change: p.Ser50Arg; replaces serine 50 with arginine.
Molecular consequence: missense variant.
Genome position (GRCh38, 1-based): chr11:47,351,381, G>T on the plus strand (C>A on the coding strand, the complement: MYBPC3 is on the minus strand). VCF-style: chr11-47351381-G-T. GRCh37 (hg19) VCF-style: chr11-47372932-G-T.
Other names: c.150C>A, p.Ser50Arg (LRG_386t1); short protein forms S50R.
Identifiers: ClinVar variation 407310 (VCV000407310.16), dbSNP rs368918487, ClinGen allele CA16613591.

ClinVar aggregate classification (germline): Uncertain significance. Review status: criteria provided, multiple submitters, no conflicts (2 of 4 stars). 4 submissions from 4 submitters: Uncertain significance (4). Last evaluated 2023-08-23.

Conditions:
Cardiovascular phenotype. Identifiers: MedGen CN230736.
Cardiomyopathy (CMYO). Also called: Cardiomyopathies. Identifiers: Orphanet 167848, MedGen C0878544, MONDO:0004994, HP:0001638. Inheritance: Various modes of inheritance.
Hypertrophic cardiomyopathy. Also called: HYPERTROPHIC MYOCARDIOPATHY. Identifiers: Orphanet 217569, MedGen C0007194, MeSH D002312, MONDO:0005045, HP:0001639.

Allele frequency attached by ClinVar (database versions not stated): TOPMed 0.00002.
gnomAD v4.1: 8 of 1,608,872 alleles (0.0005%); highest among the groups gnomAD compares: South Asian, 0.0055%; no homozygotes.

Submissions (4):

All of Us Research Program, National Institutes of Health
Classification: Uncertain significance for Hypertrophic cardiomyopathy. Last evaluated: 2023-08-23. Review status: criteria provided, single submitter. Criteria: ACMG Guidelines, 2015. Collection method: clinical testing. Allele origin: germline. Inheritance: Autosomal dominant inheritance. Observed: 1 variant allele, 1 heterozygote.
Comment: This missense variant replaces serine with arginine at codon 50 of the MYBPC3 protein. Computational prediction tools and conservation analyses suggest that this variant may not impact the protein function. Computational splicing tools suggest that this variant may not impact RNA splicing. To our knowledge, functional assays have not been performed for this variant. This variant has been reported in an individual affected with hypertrophic cardiomyopathy (PMID 26383259). This variant has also been identified in 3/239572 chromosomes in the general population by the Genome Aggregation Database (gnomAD). Available evidence is insufficient to determine the role of this variant in disease conclusively. Therefore, this variant is classified as a Variant of Uncertain Significance.

This study involves interpretation of variants in research participants for the purpose of population health screening. Participant phenotype was not available at the time of variant classification. Additional details can be found in publication PMID: 35346344, PMCID: PMC8962531

Color Diagnostics, LLC DBA Color Health
Classification: Uncertain significance for Cardiomyopathy. Last evaluated: 2023-08-02. Review status: criteria provided, single submitter. Criteria: ACMG Guidelines, 2015. Collection method: clinical testing. Allele origin: germline.
Comment: This missense variant replaces serine with arginine at codon 50 of the MYBPC3 protein. Computational prediction suggests that this variant may not impact protein structure and function (internally defined REVEL score threshold <= 0.5, PMID: 27666373). To our knowledge, functional studies have not been reported for this variant. This variant has been reported in an individual affected with hypertrophic cardiomyopathy (PMID 26383259). This variant has been identified in 3/239572 chromosomes in the general population by the Genome Aggregation Database (gnomAD). The available evidence is insufficient to determine the role of this variant in disease conclusively. Therefore, this variant is classified as a Variant of Uncertain Significance.

Labcorp Genetics (formerly Invitae), Labcorp
Classification: Uncertain significance for Hypertrophic cardiomyopathy. Last evaluated: 2022-05-01. Review status: criteria provided, single submitter. Criteria: Invitae Variant Classification Sherloc (09022015). Collection method: clinical testing. Allele origin: germline.
Comment: This sequence change replaces serine, which is neutral and polar, with arginine, which is basic and polar, at codon 50 of the MYBPC3 protein (p.Ser50Arg). The frequency data for this variant in the population databases is considered unreliable, as metrics indicate poor data quality at this position in the gnomAD database. This variant has not been reported in the literature in individuals affected with MYBPC3-related conditions. ClinVar contains an entry for this variant (Variation ID: 407310). Algorithms developed to predict the effect of missense changes on protein structure and function (SIFT, PolyPhen-2, Align-GVGD) all suggest that this variant is likely to be tolerated. In summary, the available evidence is currently insufficient to determine the role of this variant in disease. Therefore, it has been classified as a Variant of Uncertain Significance.

Ambry Genetics
Classification: Uncertain significance for Cardiovascular phenotype. Last evaluated: 2016-05-17. Review status: criteria provided, single submitter. Criteria: Ambry Variant Classification Scheme 2023. Collection method: clinical testing. Allele origin: germline.
Comment: The p.S50R variant (also known as c.150C>A), located in coding exon 2 of the MYBPC3 gene, results from a C to A substitution at nucleotide position 150. The serine at codon 50 is replaced by arginine, an amino acid with dissimilar properties. This variant was not reported in population based cohorts in the following databases: Database of Single Nucleotide Polymorphisms (dbSNP), NHLBI Exome Sequencing Project (ESP), and 1000 Genomes Project. In the ESP, this variant was not observed in 6483 samples (12966 alleles) with coverage at this position. This amino acid position is poorly conserved in available vertebrate species, and arginine is the reference amino acid in other vertebrate species. In addition, this alteration is predicted to be tolerated by in silico analysis. Since supporting evidence is limited at this time, the clinical significance of this variant remains unclear.

Literature cited by the submitters: PubMed 26383259 (cited by Color Diagnostics, LLC DBA Color Health).